The following is an entry in ClinVar:

NM_016222.4(DDX41):c.1018T>C (p.Tyr340His)

Gene: DDX41 (DEAD-box helicase 41; minus strand). Cytogenetic location: 5q35.3.
Variant type: single nucleotide variant.
Coding change: c.1018T>C on transcript NM_016222.4 (MANE Select); coding-DNA position 1018, T replaced by C.
Protein change: p.Tyr340His; replaces tyrosine 340 with histidine.
Molecular consequence: missense variant.
Genome position (GRCh38, 1-based): chr5:177,513,765, A>G on the plus strand (T>C on the coding strand, the complement: DDX41 is on the minus strand). VCF-style: chr5-177513765-A-G. GRCh37 (hg19) VCF-style: chr5-176940766-A-G.
Other names: c.640T>C, p.Tyr214His (NM_001321732.2, NM_001321830.2); short protein forms Y340H, Y214H.
Identifiers: ClinVar variation 2817756 (VCV002817756.3), dbSNP rs2532080974, ClinGen allele CA362374391.

ClinVar aggregate classification (germline): Uncertain significance (1 of 4 stars; one submission).

Submission:

Labcorp Genetics (formerly Invitae), Labcorp
Classification: Uncertain significance. Last evaluated: 2022-12-01. Review status: criteria provided, single submitter. Criteria: Invitae Variant Classification Sherloc (09022015). Collection method: clinical testing. Allele origin: germline.
Comment: This sequence change replaces tyrosine, which is neutral and polar, with histidine, which is basic and polar, at codon 340 of the DDX41 protein (p.Tyr340His). In summary, the available evidence is currently insufficient to determine the role of this variant in disease. Therefore, it has been classified as a Variant of Uncertain Significance. Algorithms developed to predict the effect of missense changes on protein structure and function are either unavailable or do not agree on the potential impact of this missense change (SIFT: "Not Available"; PolyPhen-2: "Possibly Damaging"; Align-GVGD: "Not Available"). This variant has not been reported in the literature in individuals affected with DDX41-related conditions. This variant is not present in population databases (gnomAD no frequency).